The following is an entry in ClinVar:

NM_004204.5(PIGQ):c.*319G>A

Gene: PIGQ (phosphatidylinositol glycan anchor biosynthesis class Q; plus strand). Cytogenetic location: 16p13.3.
Variant type: single nucleotide variant.
Coding change: c.*319G>A on transcript NM_004204.5 (MANE Select); 319 bases downstream of the stop codon, G replaced by A.
Molecular consequence: 3 prime UTR variant. On other transcripts: missense variant (1).
Genome position (GRCh38, 1-based): chr16:583,354, G>A. VCF-style: chr16-583354-G-A. GRCh37 (hg19) VCF-style: chr16-633354-G-A.
Other names: c.2003G>A, p.Cys668Tyr (NM_148920.4); short protein forms C668Y.
Identifiers: ClinVar variation 1226575 (VCV001226575.7), dbSNP rs710925, ClinGen allele CA7780591.
Genomic context (GRCh38, chr16:583,354, plus strand): 5'-ACCATGGTGGCGAGCACAGCAACCCCAGGTGTCCAGAGCACTGCCCCATGCCCACCCTGT[G>A]TACCCAGGTCCAGAGGGTCCGTCCACCACAGCAGCCCCAGGTGGAGGGCTGGTCTCCCTG-3'

ClinVar aggregate classification (germline): Benign. Review status: criteria provided, multiple submitters, no conflicts (2 of 4 stars). 4 submissions from 4 submitters: Benign (4). Last evaluated 2024-11-27.

Allele frequency attached by ClinVar (database versions not stated): ESP Exome Variant Server 0.40913; gnomAD exomes 0.44805; gnomAD 0.44890 and 0.45788; TOPMed 0.45036; ExAC 0.49090; 1000 Genomes Project 30x 0.52545; 1000 Genomes Project 0.53015.

Submissions (4):

Blueprint Genetics
Classification: Benign. Last evaluated: 2024-11-27. Review status: criteria provided, single submitter. Criteria: ACMG Guidelines, 2015. Collection method: clinical testing. Allele origin: germline.

Unidad de Genómica Garrahan, Hospital de Pediatría Garrahan
Classification: Benign. Last evaluated: 2024-07-15. Review status: criteria provided, single submitter. Criteria: ACMG Guidelines, 2015. Collection method: clinical testing. Allele origin: germline. Affected: no. Observed: 67 variant alleles.
Comment: This variant is classified as Benign based on local population frequency. This variant was detected in 72% of patients studied in a panel designed for Epileptic and Developmental Encephalopathy and Progressive Myoclonus Epilepsy. Number of patients: 67. Only high quality variants are reported.

GeneDx
Classification: Benign. Last evaluated: 2020-08-07. Review status: criteria provided, single submitter. Criteria: GeneDx Variant Classification Process June 2021. Collection method: clinical testing. Allele origin: germline. Affected: yes.

Breakthrough Genomics
Classification: Benign. Review status: criteria provided, single submitter. Criteria: ACMG Guidelines, 2015. Collection method: not provided. Allele origin: germline. Inheritance: Autosomal recessive inheritance. Affected: yes.